The following is an entry in ClinVar:

ClinVar aggregate classification (germline): Likely benign (1 of 4 stars; one submission).

Submission:

GeneDx
Classification: Likely benign. Last evaluated: 2018-06-04. Review status: criteria provided, single submitter. Criteria: GeneDx Variant Classification (06012015). Collection method: clinical testing. Allele origin: germline. Affected: yes.
Comment: This variant is considered likely benign or benign based on one or more of the following criteria: it is a conservative change, it occurs at a poorly conserved position in the protein, it is predicted to be benign by multiple in silico algorithms, and/or has population frequency not consistent with disease.

NM_001844.5(COL2A1):c.1314C>A (p.Gly438=)

Gene: COL2A1 (collagen type II alpha 1 chain; minus strand). Cytogenetic location: 12q13.11.
Variant type: single nucleotide variant.
Coding change: c.1314C>A on transcript NM_001844.5 (MANE Select); coding-DNA position 1314, C replaced by A.
Protein change: p.Gly438=; no amino-acid change (glycine 438 retained).
Molecular consequence: synonymous variant.
Genome position (GRCh38, 1-based): chr12:47,987,129, G>T on the plus strand (C>A on the coding strand, the complement: COL2A1 is on the minus strand). VCF-style: chr12-47987129-G-T. GRCh37 (hg19) VCF-style: chr12-48380912-G-T.
Other names: c.1107C>A, p.Gly369= (NM_033150.3).
Identifiers: ClinVar variation 669055 (VCV000669055.1), dbSNP rs1793934, ClinGen allele CA479473523.